The following is an entry in ClinVar:

NM_006231.4(POLE):c.2927del (p.Arg976fs)

Gene: POLE (DNA polymerase epsilon, catalytic subunit; minus strand). Cytogenetic location: 12q24.33.
Variant type: Deletion.
Coding change: c.2927del on transcript NM_006231.4 (MANE Select); coding-DNA position 2927, one base deleted (G; older notation c.2927delG).
Protein change: p.Arg976fs; shifts the reading frame from arginine 976.
Molecular consequence: frameshift variant.
Genome position (GRCh38, 1-based): chr12:132,661,102, C deleted on the plus strand (G on the coding strand, the reverse complement: POLE is on the minus strand). VCF-style (leftmost placement, unchanged base first): chr12-132661101-GC-G. GRCh37 (hg19) VCF-style: chr12-133237687-GC-G.
Other names: short protein forms R976fs.
Identifiers: ClinVar variation 2032453 (VCV002032453.4), dbSNP rs2542040863, ClinGen allele CA2580086157.

ClinVar aggregate classification (germline): Pathogenic (1 of 4 stars; one submission).

Submission:

Labcorp Genetics (formerly Invitae), Labcorp
Classification: Pathogenic. Last evaluated: 2022-10-03. Review status: criteria provided, single submitter. Criteria: Invitae Variant Classification Sherloc (09022015). Collection method: clinical testing. Allele origin: germline.
Comment: This sequence change creates a premature translational stop signal (p.Arg976Profs*6) in the POLE gene. It is expected to result in an absent or disrupted protein product. Loss-of-function variants in POLE are known to be pathogenic (PMID: 23230001, 25948378, 30503519). This variant is not present in population databases (gnomAD no frequency). This variant has not been reported in the literature in individuals affected with POLE-related conditions. For these reasons, this variant has been classified as Pathogenic.

Literature cited by the submitters: PubMed 23230001; PubMed 25948378; PubMed 30503519.